The following is an entry in ClinVar:

ClinVar aggregate classification (germline): Uncertain significance (1 of 4 stars; one submission).

Submission:

GeneDx
Classification: Uncertain significance. Last evaluated: 2024-06-11. Review status: criteria provided, single submitter. Criteria: GeneDx Variant Classification Process June 2021. Collection method: clinical testing. Allele origin: germline. Affected: yes.
Comment: Not observed at significant frequency in large population cohorts (gnomAD); In silico analysis supports that this missense variant has a deleterious effect on protein structure/function; Has not been previously published as pathogenic or benign to our knowledge

NM_012154.5(AGO2):c.1891G>C (p.Val631Leu)

Gene: AGO2 (argonaute RISC catalytic component 2; minus strand). Cytogenetic location: 8q24.3.
Variant type: single nucleotide variant.
Coding change: c.1891G>C on transcript NM_012154.5 (MANE Select); coding-DNA position 1891, G replaced by C.
Protein change: p.Val631Leu; replaces valine 631 with leucine.
Molecular consequence: missense variant.
Genome position (GRCh38, 1-based): chr8:140,541,307, C>G on the plus strand (G>C on the coding strand, the complement: AGO2 is on the minus strand). VCF-style: chr8-140541307-C-G. GRCh37 (hg19) VCF-style: chr8-141551406-C-G.
Other names: c.1891G>C, p.Val631Leu (NM_001164623.3); short protein forms V631L.
Identifiers: ClinVar variation 3390748 (VCV003390748.1).
Genomic context (GRCh38, chr8:140,541,307, plus strand): 5'-TGAGGAGCTCGCGGACCATGGCGGCCAGGTCTTGTATGATCTCCTGCCGGTGCTGCTGCA[C>G]GCGCACGGTGGCGCAGTAGCGATTGGGGTGGGCGTCCATGCTGCCCACCACCTGCAGGAA-3'
Protein context (NP_036286.2, residues 621-641): HPNRYCATVR[Val631Leu]QQHRQEIIQD